The following is an entry in ClinVar:

NM_001844.5(COL2A1):c.1735-2A>C

Gene: COL2A1 (collagen type II alpha 1 chain; minus strand). Cytogenetic location: 12q13.11.
Variant type: single nucleotide variant.
Coding change: c.1735-2A>C on transcript NM_001844.5 (MANE Select); the canonical splice acceptor site of the intron before coding-DNA position 1735, A replaced by C.
Molecular consequence: splice acceptor variant.
Genome position (GRCh38, 1-based): chr12:47,985,095, T>G on the plus strand (A>C on the coding strand, the complement: COL2A1 is on the minus strand). VCF-style: chr12-47985095-T-G. GRCh37 (hg19) VCF-style: chr12-48378878-T-G.
Other names: c.1528-2A>C (NM_033150.3).
Identifiers: ClinVar variation 2036807 (VCV002036807.4), dbSNP rs2540144871, ClinGen allele CA384550838.

ClinVar aggregate classification (germline): Likely pathogenic (1 of 4 stars; one submission).

Submission:

Labcorp Genetics (formerly Invitae), Labcorp
Classification: Likely pathogenic. Last evaluated: 2023-11-06. Review status: criteria provided, single submitter. Criteria: Invitae Variant Classification Sherloc (09022015). Collection method: clinical testing. Allele origin: germline.
Comment: This sequence change affects an acceptor splice site in intron 26 of the COL2A1 gene. It is expected to disrupt RNA splicing. Variants that disrupt the donor or acceptor splice site typically lead to a loss of protein function (PMID: 16199547), and loss-of-function variants in COL2A1 are known to be pathogenic (PMID: 20179744). This variant is not present in population databases (gnomAD no frequency). Disruption of this splice site has been observed in individual(s) with autosomal dominant COL2A1-related conditions (PMID: 18276201). ClinVar contains an entry for this variant (Variation ID: 2036807). Algorithms developed to predict the effect of sequence changes on RNA splicing suggest that this variant may disrupt the consensus splice site. In summary, the currently available evidence indicates that the variant is pathogenic, but additional data are needed to prove that conclusively. Therefore, this variant has been classified as Likely Pathogenic.

Literature cited by the submitters: PubMed 16199547; PubMed 20179744; PubMed 18276201.